The following is an entry in ClinVar:

ClinVar aggregate classification (germline): Uncertain significance (1 of 4 stars; one submission).

Conditions:
Cardiovascular phenotype. Identifiers: MedGen CN230736.

Allele frequency attached by ClinVar (database versions not stated): TOPMed 0.00001.
gnomAD v4.1: 3 of 1,614,028 alleles (0.00019%); no homozygotes.

Submission:

Ambry Genetics
Classification: Uncertain significance for Cardiovascular phenotype. Last evaluated: 2019-10-18. Review status: criteria provided, single submitter. Criteria: Ambry Variant Classification Scheme 2023. Collection method: clinical testing. Allele origin: germline.
Comment: The p.S3136N variant (also known as c.9407G>A), located in coding exon 10 of the ALMS1 gene, results from a G to A substitution at nucleotide position 9407. The serine at codon 3136 is replaced by asparagine, an amino acid with highly similar properties. This amino acid position is well conserved in available vertebrate species. In addition, this alteration is predicted to be tolerated by in silico analysis. Since supporting evidence is limited at this time, the clinical significance of this alteration remains unclear.

NM_001378454.1(ALMS1):c.9404G>A (p.Ser3135Asn)

Gene: ALMS1 (ALMS1 centrosome and basal body associated protein; plus strand). Cytogenetic location: 2p13.1.
Variant type: single nucleotide variant.
Coding change: c.9404G>A on transcript NM_001378454.1 (MANE Select); coding-DNA position 9404, G replaced by A.
Protein change: p.Ser3135Asn; replaces serine 3135 with asparagine.
Molecular consequence: missense variant.
Genome position (GRCh38, 1-based): chr2:73,491,363, G>A. VCF-style: chr2-73491363-G-A. GRCh37 (hg19) VCF-style: chr2-73718490-G-A.
Other names: c.9407G>A, p.Ser3136Asn (NM_015120.4); short protein forms S3135N, S3136N.
Identifiers: ClinVar variation 1766866 (VCV001766866.2), dbSNP rs1672982288, ClinGen allele CA347274730.